The following is an entry in ClinVar:

ClinVar aggregate classification (germline): Uncertain significance (1 of 4 stars; one submission).

Conditions:
Epidermolysis bullosa simplex 3, localized or generalized intermediate, with BP230 deficiency (EBS3). Also called: Epidermolysis bullosa simplex due to BP230 deficiency; Epidermolysis bullosa simplex, autosomal recessive 2. Identifiers: Orphanet 412181, MedGen C3809470, MONDO:0014180, OMIM 615425.
Hereditary sensory and autonomic neuropathy type 6. Also called: Neuropathy, hereditary sensory and autonomic, type VI; HSAN VI. Identifiers: Orphanet 314381, MedGen C3539003, MONDO:0013839, OMIM 614653.

gnomAD v4.1: 1 of 1,613,890 alleles (0.000062%); highest among the groups gnomAD compares: Non-Finnish European, 0.000085%; no homozygotes.

Submission:

Labcorp Genetics (formerly Invitae), Labcorp
Classification: Uncertain significance for Epidermolysis bullosa simplex 3, localized or generalized intermediate, with BP230 deficiency; Hereditary sensory and autonomic neuropathy type 6. Last evaluated: 2021-05-30. Review status: criteria provided, single submitter. Criteria: Invitae Variant Classification Sherloc (09022015). Collection method: clinical testing. Allele origin: germline.
Comment: This sequence change replaces proline with threonine at codon 2202 of the DST protein (p.Pro2202Thr). The proline residue is highly conserved and there is a small physicochemical difference between proline and threonine. This variant is not present in population databases (ExAC no frequency). This variant has not been reported in the literature in individuals with DST-related conditions. Algorithms developed to predict the effect of missense changes on protein structure and function are either unavailable or do not agree on the potential impact of this missense change (SIFT: "Deleterious"; PolyPhen-2: "Benign"; Align-GVGD: "Class C0"). In summary, the available evidence is currently insufficient to determine the role of this variant in disease. Therefore, it has been classified as a Variant of Uncertain Significance.

NM_001723.7(DST):c.6604C>A (p.Pro2202Thr)

Gene: DST (dystonin; minus strand). Cytogenetic location: 6p12.1.
Variant type: single nucleotide variant.
Coding change: c.6604C>A on transcript NM_001723.7 (MANE Plus Clinical); coding-DNA position 6604, C replaced by A.
Protein change: p.Pro2202Thr; replaces proline 2202 with threonine.
Molecular consequence: missense variant. On other transcripts: intron variant (10).
Genome position (GRCh38, 1-based): chr6:56,616,863, G>T on the plus strand (C>A on the coding strand, the complement: DST is on the minus strand). VCF-style: chr6-56616863-G-T. GRCh37 (hg19) VCF-style: chr6-56481661-G-T.
Other names: c.4831-2379C>A (NM_001144769.5); c.4930-2379C>A (NM_001374722.1, NM_001374736.1); c.4957-2379C>A (NM_001374734.1); c.4417-2379C>A (NM_001144770.2); c.4297-2379C>A (NM_001374730.1, NM_001386100.1, NM_183380.4 and 1 more transcripts); c.3319-2379C>A (NM_015548.5); short protein forms P2202T.
Identifiers: ClinVar variation 1499708 (VCV001499708.8), dbSNP rs774240712, ClinGen allele CA364564792.